The following is an entry in ClinVar:

ClinVar aggregate classification (germline): Uncertain significance (1 of 4 stars; one submission).

Conditions:
Metachromatic leukodystrophy (MLD). Also called: ARSA DEFICIENCY; CEREBROSIDE SULFATASE DEFICIENCY; METACHROMATIC LEUKOENCEPHALOPATHY; SULFATIDE LIPIDOSIS; Cerebral sclerosis diffuse metachromatic form; Arylsulfatase A Deficiency. Identifiers: Orphanet 512, MedGen C0023522, MONDO:0018868, OMIM 250100.

Allele frequency attached by ClinVar (database versions not stated): gnomAD exomes 0.00003; ExAC 0.00002; TOPMed 0.00001.
gnomAD v4.1: 23 of 1,613,656 alleles (0.0014%); highest among the groups gnomAD compares: South Asian, 0.014%; no homozygotes.

Submissions (2):

Labcorp Genetics (formerly Invitae), Labcorp
Classification: Uncertain significance for Metachromatic leukodystrophy. Last evaluated: 2022-08-16. Review status: criteria provided, single submitter. Criteria: Invitae Variant Classification Sherloc (09022015). Collection method: clinical testing. Allele origin: germline.
Comment: This sequence change replaces arginine, which is basic and polar, with histidine, which is basic and polar, at codon 386 of the ARSA protein (p.Arg386His). This variant is present in population databases (rs747155690, gnomAD 0.02%). This variant has not been reported in the literature in individuals affected with ARSA-related conditions. ClinVar contains an entry for this variant (Variation ID: 1418977). Advanced modeling of protein sequence and biophysical properties (such as structural, functional, and spatial information, amino acid conservation, physicochemical variation, residue mobility, and thermodynamic stability) performed at Invitae indicates that this missense variant is expected to disrupt ARSA protein function. In summary, the available evidence is currently insufficient to determine the role of this variant in disease. Therefore, it has been classified as a Variant of Uncertain Significance.

Gelb Laboratory, University of Washington
No classification provided (evidence only). Condition: Metachromatic leukodystrophy. Review status: no classification provided. Collection method: in vitro. Allele origin: not applicable. Functional consequence: loss of function. Not counted in ClinVar's aggregate classification.

NM_000487.6(ARSA):c.1157G>A (p.Arg386His)

Gene: ARSA (arylsulfatase A; minus strand). Cytogenetic location: 22q13.33.
Variant type: single nucleotide variant.
Coding change: c.1157G>A on transcript NM_000487.6 (MANE Select); coding-DNA position 1157, G replaced by A.
Protein change: p.Arg386His; replaces arginine 386 with histidine.
Molecular consequence: missense variant.
Genome position (GRCh38, 1-based): chr22:50,625,632, C>T on the plus strand (G>A on the coding strand, the complement: ARSA is on the minus strand). VCF-style: chr22-50625632-C-T. GRCh37 (hg19) VCF-style: chr22-51064060-C-T.
Other names: c.1157G>A, p.Arg386His (NM_001085425.3, NM_001085426.3, NM_001085427.3); c.899G>A, p.Arg300His (NM_001085428.3, NM_001362782.2); short protein forms R300H, R386H.
Identifiers: ClinVar variation 1418977 (VCV001418977.6), dbSNP rs747155690, ClinGen allele CA10324804.